The following is an entry in ClinVar:

NM_025114.4(CEP290):c.5471A>G (p.Asn1824Ser)

Gene: CEP290 (centrosomal protein 290; minus strand). Cytogenetic location: 12q21.32.
Variant type: single nucleotide variant.
Coding change: c.5471A>G on transcript NM_025114.4 (MANE Select); coding-DNA position 5471, A replaced by G.
Protein change: p.Asn1824Ser; replaces asparagine 1824 with serine.
Molecular consequence: missense variant.
Genome position (GRCh38, 1-based): chr12:88,077,812, T>C on the plus strand (A>G on the coding strand, the complement: CEP290 is on the minus strand). VCF-style: chr12-88077812-T-C. GRCh37 (hg19) VCF-style: chr12-88471589-T-C.
Other names: short protein forms N1824S.
Identifiers: ClinVar variation 4981034 (VCV004981034.1).

ClinVar aggregate classification (germline): Uncertain significance (1 of 4 stars; one submission).

Conditions:
CEP290-related disorder. Also called: CEP290-related condition; CEP290-related disorders. Identifiers: MedGen CN239314.

gnomAD v4.1: 1 of 1,541,908 alleles (0.000065%); highest among the groups gnomAD compares: Admixed American, 0.0018%; no homozygotes.

Submission:

PreventionGenetics, part of Exact Sciences
Classification: Uncertain significance for CEP290-related condition. Last evaluated: 2025-07-16. Review status: criteria provided, single submitter. Criteria: ACMG Guidelines, 2015. Collection method: clinical testing. Allele origin: germline.
Comment: The CEP290 c.5471A>G variant is predicted to result in the amino acid substitution p.Asn1824Ser. To our knowledge, this variant has not been reported in the literature. This variant is reported in 0.0034% of alleles in individuals of Latino descent in gnomAD. At this time, the clinical significance of this variant is uncertain due to the absence of conclusive functional and genetic evidence.